The following is an entry in ClinVar:

NM_000020.3(ACVRL1):c.763A>G (p.Asn255Asp)

Gene: ACVRL1 (activin A receptor like type 1; plus strand). Cytogenetic location: 12q13.13.
Variant type: single nucleotide variant.
Coding change: c.763A>G on transcript NM_000020.3 (MANE Select); coding-DNA position 763, A replaced by G.
Protein change: p.Asn255Asp; replaces asparagine 255 with aspartic acid.
Molecular consequence: missense variant.
Genome position (GRCh38, 1-based): chr12:51,914,576, A>G. VCF-style: chr12-51914576-A-G. GRCh37 (hg19) VCF-style: chr12-52308360-A-G.
Other names: c.763A>G, p.Asn255Asp (NM_001077401.2, NM_001406487.1, NM_001406488.1 and 1 more transcripts); c.451A>G, p.Asn151Asp (NM_001406490.1, NM_001406491.1, NM_001406492.1 and 2 more transcripts); c.199A>G, p.Asn67Asp (NM_001406495.1); short protein forms N151D, N255D, N67D.
Identifiers: ClinVar variation 2884718 (VCV002884718.3), dbSNP rs758730160, ClinGen allele CA6572980.

ClinVar aggregate classification (germline): Uncertain significance (1 of 4 stars; one submission).

Conditions:
Telangiectasia, hereditary hemorrhagic, type 2 (HHT2). Also called: ACVRL1-Related Hereditary Hemorrhagic Telangiectasia; Telangiectasia, hereditary hemorrhagic, type II. Identifiers: Orphanet 774, MedGen C1838163, MONDO:0010880, OMIM 600376. Disease mechanism: loss of function.

Allele frequency attached by ClinVar (database versions not stated): gnomAD exomes below 0.00001; ExAC 0.00001.

Submission:

Labcorp Genetics (formerly Invitae), Labcorp
Classification: Uncertain significance for Telangiectasia, hereditary hemorrhagic, type 2. Last evaluated: 2024-01-06. Review status: criteria provided, single submitter. Criteria: Invitae Variant Classification Sherloc (09022015). Collection method: clinical testing. Allele origin: germline.
Comment: This sequence change replaces asparagine, which is neutral and polar, with aspartic acid, which is acidic and polar, at codon 255 of the ACVRL1 protein (p.Asn255Asp). This variant is present in population databases (rs758730160, gnomAD 0.006%). This variant has not been reported in the literature in individuals affected with ACVRL1-related conditions. Advanced modeling of protein sequence and biophysical properties (such as structural, functional, and spatial information, amino acid conservation, physicochemical variation, residue mobility, and thermodynamic stability) performed at Invitae indicates that this missense variant is expected to disrupt ACVRL1 protein function with a positive predictive value of 95%. In summary, the available evidence is currently insufficient to determine the role of this variant in disease. Therefore, it has been classified as a Variant of Uncertain Significance.